The following is an entry in ClinVar:

NM_001267550.2(TTN):c.94752_94753del (p.Leu31585fs)

Genes: TTN-AS1 (TTN antisense RNA 1; plus strand), TTN (titin; minus strand). Cytogenetic location: 2q31.2.
Variant type: Microsatellite.
Coding change: c.94752_94753del on transcript NM_001267550.2 (MANE Select); coding-DNA positions 94752 to 94753, 2 bases deleted (GT; older notation c.94752_94753delGT).
Protein change: p.Leu31585fs; shifts the reading frame from leucine 31585.
Molecular consequence: frameshift variant.
Genome position (GRCh38, 1-based): chr2:178,546,675-178,546,676, AC deleted on the plus strand (GT on the coding strand, the reverse complement: TTN is on the minus strand); deleting any 2 consecutive bases within chr2:178,546,675-178,546,680 gives the same sequence; the c. name uses the placement nearest the transcript's 3' end. VCF-style (leftmost placement, unchanged base first): chr2-178546674-AAC-A. GRCh37 (hg19) VCF-style: chr2-179411401-AAC-A.
Other names: c.89829_89830del, p.Leu29944fs (NM_001256850.1); c.67557_67558del, p.Leu22520fs (NM_003319.4); c.87048_87049del, p.Leu29017fs (NM_133378.4); c.67932_67933del, p.Leu22645fs (NM_133432.3); c.68133_68134del, p.Leu22712fs (NM_133437.4); short protein forms L22520fs, L22645fs, L22712fs, L29017fs, L29944fs, L31585fs.
Identifiers: ClinVar variation 3752829 (VCV003752829.2).

ClinVar aggregate classification (germline): Likely pathogenic (1 of 4 stars; one submission).

Conditions:
Autosomal recessive limb-girdle muscular dystrophy type 2J (LGMDR10). Also called: Limb-girdle muscular dystrophy, type 2J; MUSCULAR DYSTROPHY, LIMB-GIRDLE, AUTOSOMAL RECESSIVE 10. Identifiers: Orphanet 140922, MedGen C1837342, MONDO:0012127, OMIM 608807.
Dilated cardiomyopathy 1G (CMD1G). Identifiers: Orphanet 154, MedGen C1858763, MONDO:0011400, OMIM 604145.

Submission:

Labcorp Genetics (formerly Invitae), Labcorp
Classification: Likely pathogenic for Dilated cardiomyopathy 1G; Autosomal recessive limb-girdle muscular dystrophy type 2J. Last evaluated: 2024-02-07. Review status: criteria provided, single submitter. Criteria: Invitae Variant Classification Sherloc (09022015). Collection method: clinical testing. Allele origin: germline.
Comment: This sequence change creates a premature translational stop signal (p.Leu31585Serfs*9) in the TTN gene. While this is not anticipated to result in nonsense mediated decay, it is expected to create a truncated TTN protein. This variant is not present in population databases (gnomAD no frequency). This variant has not been reported in the literature in individuals affected with TTN-related conditions. This variant is located in the A band of TTN (PMID: 25589632). Truncating variants in this region are significantly overrepresented in patients affected with dilated cardiomyopathy (PMID: 25589632). Truncating variants in this region have also been reported in individuals affected with autosomal recessive centronuclear myopathy (PMID: 23975875). In summary, the currently available evidence indicates that the variant is pathogenic, but additional data are needed to prove that conclusively. Therefore, this variant has been classified as Likely Pathogenic.

Literature cited by the submitters: PubMed 25589632; PubMed 23975875.